The following is an entry in ClinVar:

ClinVar aggregate classification (germline): Uncertain significance (1 of 4 stars; one submission).

Conditions:
HNRNPU-related disorder. Also called: HNRNPU-related condition.

Submission:

PreventionGenetics, part of Exact Sciences
Classification: Uncertain significance for HNRNPU-related condition. Last evaluated: 2026-02-27. Review status: criteria provided, single submitter. Criteria: ACMG Guidelines, 2015. Collection method: clinical testing. Allele origin: germline.
Comment: The HNRNPU c.151C>T variant is predicted to result in the amino acid substitution p.Pro51Ser. To our knowledge, this variant has not been reported in the literature or in a large population database (gnomAD), indicating this variant is rare. At this time, the clinical significance of this variant is uncertain due to the absence of conclusive functional and genetic evidence.

NM_031844.3(HNRNPU):c.151C>T (p.Pro51Ser)

Gene: HNRNPU (heterogeneous nuclear ribonucleoprotein U; minus strand). Cytogenetic location: 1q44.
Variant type: single nucleotide variant.
Coding change: c.151C>T on transcript NM_031844.3 (MANE Select); coding-DNA position 151, C replaced by T.
Protein change: p.Pro51Ser; replaces proline 51 with serine.
Molecular consequence: missense variant.
Genome position (GRCh38, 1-based): chr1:244,864,157, G>A on the plus strand (C>T on the coding strand, the complement: HNRNPU is on the minus strand). VCF-style: chr1-244864157-G-A. GRCh37 (hg19) VCF-style: chr1-245027459-G-A.
Other names: c.151C>T, p.Pro51Ser (NM_004501.3); short protein forms P51S.
Identifiers: ClinVar variation 4989752 (VCV004989752.1).